The following is an entry in ClinVar:

NM_002474.3(MYH11):c.3871A>G (p.Ser1291Gly)

Genes: MYH11 (myosin heavy chain 11; minus strand), NDE1 (nudE neurodevelopment protein 1; plus strand). Cytogenetic location: 16p13.11.
Variant type: single nucleotide variant.
Coding change: c.3871A>G on transcript NM_002474.3 (MANE Select); coding-DNA position 3871, A replaced by G.
Protein change: p.Ser1291Gly; replaces serine 1291 with glycine.
Molecular consequence: missense variant. On other transcripts: 3 prime UTR variant (2).
Genome position (GRCh38, 1-based): chr16:15,724,980, T>C on the plus strand (A>G on the coding strand, the complement: MYH11 is on the minus strand). VCF-style: chr16-15724980-T-C. GRCh37 (hg19) VCF-style: chr16-15818837-T-C.
Other names: c.3892A>G, p.Ser1298Gly (NM_001040113.2, NM_001040114.2); c.3871A>G, p.Ser1291Gly (NM_022844.3); c.*729T>C (NM_001143979.2, NM_017668.3); short protein forms S1291G, S1298G.
Identifiers: ClinVar variation 4745874 (VCV004745874.1).

ClinVar aggregate classification (germline): Uncertain significance (1 of 4 stars; one submission).

Conditions:
Aortic aneurysm, familial thoracic 4 (AAT4). Also called: AORTIC ANEURYSM/AORTIC DISSECTION AND PATENT DUCTUS ARTERIOSUS. Identifiers: MedGen C1851504, MONDO:0007568, OMIM 132900.

Submission:

Labcorp Genetics (formerly Invitae), Labcorp
Classification: Uncertain significance for Aortic aneurysm, familial thoracic 4. Last evaluated: 2025-05-29. Review status: criteria provided, single submitter. Criteria: Invitae Variant Classification Sherloc (09022015). Collection method: clinical testing. Allele origin: germline.
Comment: This sequence change replaces serine, which is neutral and polar, with glycine, which is neutral and non-polar, at codon 1298 of the MYH11 protein (p.Ser1298Gly). This variant is not present in population databases (gnomAD no frequency). This variant has not been reported in the literature in individuals affected with MYH11-related conditions. Invitae Evidence Modeling of protein sequence and biophysical properties (such as structural, functional, and spatial information, amino acid conservation, physicochemical variation, residue mobility, and thermodynamic stability) indicates that this missense variant is not expected to disrupt MYH11 protein function with a negative predictive value of 95%. In summary, the available evidence is currently insufficient to determine the role of this variant in disease. Therefore, it has been classified as a Variant of Uncertain Significance.